The following is an entry in ClinVar:

NM_004415.4(DSP):c.6721A>G (p.Ile2241Val)

Gene: DSP (desmoplakin; plus strand). Cytogenetic location: 6p24.3.
Variant type: single nucleotide variant.
Coding change: c.6721A>G on transcript NM_004415.4 (MANE Select); coding-DNA position 6721, A replaced by G.
Protein change: p.Ile2241Val; replaces isoleucine 2241 with valine.
Molecular consequence: missense variant.
Genome position (GRCh38, 1-based): chr6:7,583,983, A>G. VCF-style: chr6-7583983-A-G. GRCh37 (hg19) VCF-style: chr6-7584216-A-G.
Other names: c.4924A>G, p.Ile1642Val (NM_001008844.3); c.5392A>G, p.Ile1798Val (NM_001319034.2); short protein forms I1642V, I1798V, I2241V.
Identifiers: ClinVar variation 5035655 (VCV005035655.1).

ClinVar aggregate classification (germline): Uncertain significance (1 of 4 stars; one submission).

Conditions:
Cardiovascular phenotype. Identifiers: MedGen CN230736.

Submission:

Ambry Genetics
Classification: Uncertain significance for Cardiovascular phenotype. Last evaluated: 2026-07-24. Review status: criteria provided, single submitter. Criteria: Ambry Variant Classification Scheme 2023. Collection method: clinical testing. Allele origin: germline.
Comment: The p.I2241V variant (also known as c.6721A>G), located in coding exon 24 of the DSP gene, results from an A to G substitution at nucleotide position 6721. The isoleucine at codon 2241 is replaced by valine, an amino acid with highly similar properties. This amino acid position is conserved. In addition, this alteration is predicted to be tolerated by in silico analysis. Based on the available evidence, the clinical significance of this variant remains unclear.